The following is an entry in ClinVar:

ClinVar aggregate classification (germline): Uncertain significance (1 of 4 stars; one submission).

gnomAD v4.1: 2 of 1,613,846 alleles (0.00012%); highest among the groups gnomAD compares: Non-Finnish European, 0.00017%; no homozygotes.

Submission:

GeneDx
Classification: Uncertain significance. Last evaluated: 2025-05-23. Review status: criteria provided, single submitter. Criteria: GeneDx Variant Classification Process June 2021. Collection method: clinical testing. Allele origin: germline. Affected: yes.
Comment: Not observed at significant frequency in large population cohorts (gnomAD); In silico analysis supports that this missense variant has a deleterious effect on protein structure/function; Has not been previously published as pathogenic or benign to our knowledge

NM_001080477.4(TENM3):c.5735G>A (p.Arg1912His)

Gene: TENM3 (teneurin transmembrane protein 3; plus strand). Cytogenetic location: 4q35.1.
Variant type: single nucleotide variant.
Coding change: c.5735G>A on transcript NM_001080477.4 (MANE Select); coding-DNA position 5735, G replaced by A.
Protein change: p.Arg1912His; replaces arginine 1912 with histidine.
Molecular consequence: missense variant.
Genome position (GRCh38, 1-based): chr4:182,792,407, G>A. VCF-style: chr4-182792407-G-A. GRCh37 (hg19) VCF-style: chr4-183713560-G-A.
Other names: c.5735G>A, p.Arg1912His (NM_001415971.1, NM_001415973.1); c.5732G>A, p.Arg1911His (NM_001415974.1, NM_001415975.1); c.5456G>A, p.Arg1819His (NM_001415976.1, NM_001415977.1); c.5477G>A, p.Arg1826His (NM_001415967.1); c.5753G>A, p.Arg1918His (NM_001415968.1); c.5756G>A, p.Arg1919His (NM_001415969.1, NM_001415970.1); c.4967G>A, p.Arg1656His (NM_001415960.1); c.4940G>A, p.Arg1647His (NM_001415961.1); and 4 more; short protein forms R1639H, R1640H, R1646H, R1647H, R1656H, R1818H, R1819H, R1826H.
Identifiers: ClinVar variation 4532390 (VCV004532390.1).